The following is an entry in ClinVar:

NM_013319.3(UBIAD1):c.-195G>A

Gene: UBIAD1 (UbiA prenyltransferase domain containing 1; plus strand). Cytogenetic location: 1p36.22.
Variant type: single nucleotide variant.
Coding change: c.-195G>A on transcript NM_013319.3 (MANE Select); 195 bases upstream of the start codon, G replaced by A.
Molecular consequence: 5 prime UTR variant.
Genome position (GRCh38, 1-based): chr1:11,273,337, G>A. VCF-style: chr1-11273337-G-A. GRCh37 (hg19) VCF-style: chr1-11333394-G-A.
Other names: c.-195G>A (NM_001330349.2, NM_001330350.2).
Identifiers: ClinVar variation 291816 (VCV000291816.5), dbSNP rs114907127, ClinGen allele CA10607319.

ClinVar aggregate classification (germline): Benign (1 of 4 stars; one submission).

Conditions:
Schnyder crystalline corneal dystrophy (SCCD). Also called: Crystalline corneal dystrophy; Schnyder corneal dystrophy. Identifiers: Orphanet 98967, MedGen C0271287, MONDO:0007374, OMIM 121800.

Allele frequency attached by ClinVar (database versions not stated): gnomAD exomes 0.00106; 1000 Genomes Project 0.00899; TOPMed 0.01028; 1000 Genomes Project 30x 0.00828; gnomAD 0.00891 and 0.00966.

Submission:

Illumina Laboratory Services, Illumina
Classification: Benign for Schnyder crystalline corneal dystrophy. Last evaluated: 2018-01-13. Review status: criteria provided, single submitter. Criteria: ICSL Variant Classification Criteria 13 December 2019. Collection method: clinical testing. Allele origin: germline.
Comment: This variant was observed in the ICSL laboratory as part of a predisposition screen in an ostensibly healthy population. It had not been previously curated by ICSL or reported in the Human Gene Mutation Database (HGMD: prior to June 1st, 2018), and was therefore a candidate for classification through an automated scoring system. Utilizing variant allele frequency, disease prevalence and penetrance estimates, and inheritance mode, an automated score was calculated to assess if this variant is too frequent to cause the disease. Based on the score and internal cut-off values, a variant classified as benign is not then subjected to further curation. The score for this variant resulted in a classification of benign for this disease.